The following is an entry in ClinVar:

ClinVar aggregate classification (germline): Uncertain significance. Review status: criteria provided, multiple submitters, no conflicts (2 of 4 stars). 2 submissions from 2 submitters: Uncertain significance (2). Last evaluated 2025-06-12.

Conditions:
Holoprosencephaly 9 (HPE9). Also called: PITUITARY ANOMALIES WITH HOLOPROSENCEPHALY-LIKE FEATURES; HOLOPROSENCEPHALY WITH MICROPHTHALMIA AND FIRST BRANCHIAL ARCH ANOMALIES. Identifiers: Orphanet 2162, MedGen C1835819, MONDO:0012563, OMIM 610829.
Postaxial polydactyly-anterior pituitary anomalies-facial dysmorphism syndrome. Also called: Culler-Jones syndrome. Identifiers: Orphanet 420584, MedGen C4014479, MONDO:0014369, OMIM 615849.
Inborn genetic diseases. Identifiers: MedGen C0950123, MeSH D030342.

gnomAD v4.1: 7 of 1,612,908 alleles (0.00043%); highest among the groups gnomAD compares: African/African-American, 0.0053%; no homozygotes.

Submissions (2):

Labcorp Genetics (formerly Invitae), Labcorp
Classification: Uncertain significance for Postaxial polydactyly-anterior pituitary anomalies-facial dysmorphism syndrome; Holoprosencephaly 9. Last evaluated: 2025-06-12. Review status: criteria provided, single submitter. Criteria: Invitae Variant Classification Sherloc (09022015). Collection method: clinical testing. Allele origin: germline.
Comment: This sequence change replaces leucine, which is neutral and non-polar, with valine, which is neutral and non-polar, at codon 1157 of the GLI2 protein (p.Leu1157Val). This variant is present in population databases (no rsID available, gnomAD 0.009%). This variant has not been reported in the literature in individuals affected with GLI2-related conditions. ClinVar contains an entry for this variant (Variation ID: 2617107). Invitae Evidence Modeling of protein sequence and biophysical properties (such as structural, functional, and spatial information, amino acid conservation, physicochemical variation, residue mobility, and thermodynamic stability) indicates that this missense variant is expected to disrupt GLI2 protein function with a positive predictive value of 80%. In summary, the available evidence is currently insufficient to determine the role of this variant in disease. Therefore, it has been classified as a Variant of Uncertain Significance.

Ambry Genetics
Classification: Uncertain significance for Inborn genetic diseases. Last evaluated: 2023-08-08. Review status: criteria provided, single submitter. Criteria: Ambry Variant Classification Scheme 2023. Collection method: clinical testing. Allele origin: germline.

NM_001374353.1(GLI2):c.3418C>G (p.Leu1140Val)

Gene: GLI2 (GLI family zinc finger 2; plus strand). Cytogenetic location: 2q14.2.
Variant type: single nucleotide variant.
Coding change: c.3418C>G on transcript NM_001374353.1 (MANE Select); coding-DNA position 3418, C replaced by G.
Protein change: p.Leu1140Val; replaces leucine 1140 with valine.
Molecular consequence: missense variant.
Genome position (GRCh38, 1-based): chr2:120,989,383, C>G. VCF-style: chr2-120989383-C-G. GRCh37 (hg19) VCF-style: chr2-121746959-C-G.
Other names: c.3469C>G, p.Leu1157Val (NM_001371271.1, NM_005270.5); c.3043C>G, p.Leu1015Val (NM_001374354.1); short protein forms L1015V, L1157V, L1140V.
Identifiers: ClinVar variation 2617107 (VCV002617107.5), dbSNP rs141988240, ClinGen allele CA54384497.
Genomic context (GRCh38, chr2:120,989,383, plus strand): 5'-CTGAACAAAAATAACATGCCTGTGCAGTGGAATGAGGTGAGCTCCGGCACCGTAGACGCC[C>G]TGGCCAGCCAGGTGAAGCCTCCACCCTTTCCTCAGGGCAACCTGGCGGTGGTGCAGCAGA-3'
Protein context (NP_001361282.1, residues 1130-1150): NEVSSGTVDA[Leu1140Val]ASQVKPPPFP